The following is an entry in ClinVar:

ClinVar aggregate classification (germline): Uncertain significance (1 of 4 stars; one submission).

Submission:

Labcorp Genetics (formerly Invitae), Labcorp
Classification: Uncertain significance. Last evaluated: 2022-12-25. Review status: criteria provided, single submitter. Criteria: Invitae Variant Classification Sherloc (09022015). Collection method: clinical testing. Allele origin: germline.
Comment: In summary, the available evidence is currently insufficient to determine the role of this variant in disease. Therefore, it has been classified as a Variant of Uncertain Significance. Algorithms developed to predict the effect of missense changes on protein structure and function (SIFT, PolyPhen-2, Align-GVGD) all suggest that this variant is likely to be disruptive. This variant has not been reported in the literature in individuals affected with MYH9-related conditions. This variant is not present in population databases (gnomAD no frequency). This sequence change replaces aspartic acid, which is acidic and polar, with glutamic acid, which is acidic and polar, at codon 539 of the MYH9 protein (p.Asp539Glu).

NM_002473.6(MYH9):c.1617C>G (p.Asp539Glu)

Gene: MYH9 (myosin heavy chain 9; minus strand). Cytogenetic location: 22q12.3.
Variant type: single nucleotide variant.
Coding change: c.1617C>G on transcript NM_002473.6 (MANE Select); coding-DNA position 1617, C replaced by G.
Protein change: p.Asp539Glu; replaces aspartic acid 539 with glutamic acid.
Molecular consequence: missense variant.
Genome position (GRCh38, 1-based): chr22:36,312,160, G>C on the plus strand (C>G on the coding strand, the complement: MYH9 is on the minus strand). VCF-style: chr22-36312160-G-C. GRCh37 (hg19) VCF-style: chr22-36708205-G-C.
Other names: short protein forms D539E.
Identifiers: ClinVar variation 2824198 (VCV002824198.3), dbSNP rs2517983953, ClinGen allele CA411400354.